The following is an entry in ClinVar:

ClinVar aggregate classification (germline): Uncertain significance (1 of 4 stars; one submission).

Conditions:
Intellectual disability-microcephaly-strabismus-behavioral abnormalities syndrome. Also called: White-Sutton Syndrome. Identifiers: Orphanet 468678, MedGen C4225351, MONDO:0014606, OMIM 616364.

Submission:

Illumina Laboratory Services, Illumina
Classification: Uncertain significance for Intellectual disability-microcephaly-strabismus-behavioral abnormalities syndrome. Last evaluated: 2021-05-18. Review status: criteria provided, single submitter. Criteria: ICSLVariantClassificationCriteria RUGD 01 April 2020. Collection method: clinical testing. Allele origin: unknown.
Comment: The POGZ c.859+1G>A variant occurs in a canonical splice site (donor) and is therefore predicted to disrupt the normal gene product. A literature search was performed for the gene and cDNA change. No publications were found based on this search. This variant is not found in the Genome Aggregation Database version 2.1.1 or version 3.1.1 despite its location in a region of good sequencing coverage, which suggests the variant is rare. Based on the limited evidence, the c.859+1G>A variant is classified as a variant of uncertain significance for White-Sutton syndrome.

NM_015100.4(POGZ):c.859+1G>A

Gene: POGZ (pogo transposable element derived with ZNF domain; minus strand). Cytogenetic location: 1q21.3.
Variant type: single nucleotide variant.
Coding change: c.859+1G>A on transcript NM_015100.4 (MANE Select); the canonical splice donor site of the intron after coding-DNA position 859, G replaced by A.
Molecular consequence: splice donor variant.
Genome position (GRCh38, 1-based): chr1:151,428,122, C>T on the plus strand (G>A on the coding strand, the complement: POGZ is on the minus strand). VCF-style: chr1-151428122-C-T. GRCh37 (hg19) VCF-style: chr1-151400598-C-T.
Other names: c.700+1G>A (NM_001194938.2, NM_207171.2); c.574+1G>A (NM_145796.4); c.859+1G>A (NM_001194937.2); c.880+1G>A (NM_001410860.1).
Identifiers: ClinVar variation 1328521 (VCV001328521.4), dbSNP rs2102294953, ClinGen allele CA341977090.
Genomic context (GRCh38, chr1:151,428,122, plus strand): 5'-TCATCTGTTCTCCACCCACCATCCCAACCTGGCTCTGCCATCTCCTCTTCCGAAGCCTTA[C>T]CTAGCTTGGGATTCGTGGTCTGGTTTGACTGGCCTGGAGACTGAACAGCTAGTTGCCCCA-3'